The following is an entry in ClinVar:

NM_001130987.2(DYSF):c.2487C>T (p.Ala829=)

Gene: DYSF (dysferlin; plus strand). Cytogenetic location: 2p13.2.
Variant type: single nucleotide variant.
Coding change: c.2487C>T on transcript NM_001130987.2 (MANE Select); coding-DNA position 2487, C replaced by T.
Protein change: p.Ala829=; no amino-acid change (alanine 829 retained).
Molecular consequence: synonymous variant.
Genome position (GRCh38, 1-based): chr2:71,564,135, C>T. VCF-style: chr2-71564135-C-T. GRCh37 (hg19) VCF-style: chr2-71791265-C-T.
Other names: c.2436C>T, p.Ala812= (NM_001130455.2, NM_001130983.2); c.2391C>T, p.Ala797= (NM_001130976.2, NM_001130977.2); c.2433C>T, p.Ala811= (NM_001130978.2, NM_003494.4); c.2526C>T, p.Ala842= (NM_001130979.2); c.2484C>T, p.Ala828= (NM_001130980.2, NM_001130981.2); c.2529C>T, p.Ala843= (NM_001130982.2); c.2394C>T, p.Ala798= (NM_001130984.2, NM_001130986.2); c.2487C>T, p.Ala829= (NM_001130985.2).
Identifiers: ClinVar variation 798435 (VCV000798435.28), dbSNP rs1199331931, ClinGen allele CA426701701.

ClinVar aggregate classification (germline): Likely benign. Review status: criteria provided, multiple submitters, no conflicts (2 of 4 stars). 2 submissions from 2 submitters: Likely benign (2). Last evaluated 2024-05-01.

Conditions:
Neuromuscular disease caused by qualitative or quantitative defects of dysferlin. Also called: Dysferlinopathy; Qualitative or quantitative defects of dysferlin. Identifiers: Orphanet 207073, MedGen C2931687, MONDO:0016145.

Allele frequency attached by ClinVar (database versions not stated): gnomAD exomes below 0.00001; gnomAD 0.00001; TOPMed 0.00001.
gnomAD v4.1: 4 of 1,614,164 alleles (0.00025%); highest among the groups gnomAD compares: Non-Finnish European, 0.00034%; no homozygotes.

Submissions (2):

CeGaT Center for Human Genetics Tuebingen
Classification: Likely benign. Last evaluated: 2024-05-01. Review status: criteria provided, single submitter. Criteria: CeGaT Center For Human Genetics Tuebingen Variant Classification Criteria Version 2. Collection method: clinical testing. Allele origin: germline. Affected: yes. Observed: 1 variant allele.
Comment: DYSF: BP4, BP7

Labcorp Genetics (formerly Invitae), Labcorp
Classification: Likely benign for Neuromuscular disease caused by qualitative or quantitative defects of dysferlin. Last evaluated: 2020-03-31. Review status: criteria provided, single submitter. Criteria: Invitae Variant Classification Sherloc (09022015). Collection method: clinical testing. Allele origin: germline.